The following is an entry in ClinVar:

NM_005359.6(SMAD4):c.1105A>G (p.Asn369Asp)

Gene: SMAD4 (SMAD family member 4; plus strand). Cytogenetic location: 18q21.2.
Variant type: single nucleotide variant.
Coding change: c.1105A>G on transcript NM_005359.6 (MANE Select); coding-DNA position 1105, A replaced by G.
Protein change: p.Asn369Asp; replaces asparagine 369 with aspartic acid.
Molecular consequence: missense variant.
Genome position (GRCh38, 1-based): chr18:51,065,572, A>G. VCF-style: chr18-51065572-A-G. GRCh37 (hg19) VCF-style: chr18-48591942-A-G.
Other names: short protein forms N369D.
Identifiers: ClinVar variation 1312538 (VCV001312538.2), dbSNP rs1910125270, ClinGen allele CA402464472.

ClinVar aggregate classification (germline): Uncertain significance (1 of 4 stars; one submission).

Allele frequency attached by ClinVar (database versions not stated): TOPMed below 0.00001.

Submission:

GeneDx
Classification: Uncertain significance. Last evaluated: 2020-02-21. Review status: criteria provided, single submitter. Criteria: GeneDx Variant Classification Process June 2021. Collection method: clinical testing. Allele origin: germline. Affected: yes.
Comment: Not observed in large population cohorts (Lek 2016); In silico analysis supports that this missense variant has a deleterious effect on protein structure/function; Has not been previously published as pathogenic or benign to our knowledge; This variant is associated with the following publications: (PMID: 10327057)